The following is an entry in ClinVar:

ClinVar aggregate classification (germline): Uncertain significance. Review status: criteria provided, multiple submitters, no conflicts (2 of 4 stars). 3 submissions from 3 submitters: Uncertain significance (3). Last evaluated 2025-12-12.

Conditions:
DST-related disorder. Also called: DST-related condition; DST-related disorders.
Inborn genetic diseases. Identifiers: MedGen C0950123, MeSH D030342.
Epidermolysis bullosa simplex 3, localized or generalized intermediate, with BP230 deficiency (EBS3). Also called: Epidermolysis bullosa simplex, autosomal recessive 2; Epidermolysis bullosa simplex due to BP230 deficiency. Identifiers: Orphanet 412181, MedGen C3809470, MONDO:0014180, OMIM 615425.
Hereditary sensory and autonomic neuropathy type 6. Also called: HSAN VI; Neuropathy, hereditary sensory and autonomic, type VI. Identifiers: Orphanet 314381, MedGen C3539003, MONDO:0013839, OMIM 614653.

Allele frequency attached by ClinVar (database versions not stated): TOPMed 0.00007; 1000 Genomes Project 0.00040; 1000 Genomes Project 30x 0.00047.
gnomAD v4.1: 64 of 1,614,036 alleles (0.004%); highest among the groups gnomAD compares: Admixed American, 0.068%; 1 homozygote.

Submissions (3):

PreventionGenetics, part of Exact Sciences
Classification: Uncertain significance for DST-related condition. Last evaluated: 2025-12-12. Review status: criteria provided, single submitter. Criteria: ACMG Guidelines, 2015. Collection method: clinical testing. Allele origin: germline.
Comment: The DST c.8590A>G variant is predicted to result in the amino acid substitution p.Met2864Val. To our knowledge, this variant has not been reported in the literature. This variant is reported in 0.0085% of alleles in individuals of Latino descent in gnomAD. At this time, the clinical significance of this variant is uncertain due to the absence of conclusive functional and genetic evidence.

Labcorp Genetics (formerly Invitae), Labcorp
Classification: Uncertain significance for Epidermolysis bullosa simplex 3, localized or generalized intermediate, with BP230 deficiency; Hereditary sensory and autonomic neuropathy type 6. Last evaluated: 2022-06-13. Review status: criteria provided, single submitter. Criteria: Invitae Variant Classification Sherloc (09022015). Collection method: clinical testing. Allele origin: germline.
Comment: The DST gene has multiple clinically relevant transcripts. This variant occurs in alternate transcript NM_015548.4, and corresponds to NM_001723.5:c.*59983A>G in the primary transcript. This sequence change replaces methionine, which is neutral and non-polar, with valine, which is neutral and non-polar, at codon 2360 of the DST protein (p.Met2360Val). This variant is present in population databases (rs188156383, gnomAD 0.009%). This variant has not been reported in the literature in individuals affected with DST-related conditions. ClinVar contains an entry for this variant (Variation ID: 971044). Algorithms developed to predict the effect of missense changes on protein structure and function output the following: SIFT: "Not Available"; PolyPhen-2: "Not Available"; Align-GVGD: "Not Available". The valine amino acid residue is found in multiple mammalian species, which suggests that this missense change does not adversely affect protein function. In summary, the available evidence is currently insufficient to determine the role of this variant in disease. Therefore, it has been classified as a Variant of Uncertain Significance.

Ambry Genetics
Classification: Uncertain significance for Inborn genetic diseases. Last evaluated: 2022-02-14. Review status: criteria provided, single submitter. Criteria: Ambry Variant Classification Scheme 2023. Collection method: clinical testing. Allele origin: germline.
Comment: The p.M2864V variant (also known as c.8590A>G), located in coding exon 54 of the DST gene, results from an A to G substitution at nucleotide position 8590. The methionine at codon 2864 is replaced by valine, an amino acid with highly similar properties. This amino acid position is poorly conserved in available vertebrate species. In addition, this alteration is predicted to be tolerated by in silico analysis. Since supporting evidence is limited at this time, the clinical significance of this alteration remains unclear.

NM_001374736.1(DST):c.14947A>G (p.Met4983Val)

Gene: DST (dystonin; minus strand). Cytogenetic location: 6p12.1.
Variant type: single nucleotide variant.
Coding change: c.14947A>G on transcript NM_001374736.1 (MANE Select); coding-DNA position 14947, A replaced by G.
Protein change: p.Met4983Val; replaces methionine 4983 with valine.
Molecular consequence: missense variant.
Genome position (GRCh38, 1-based): chr6:56,555,534, T>C on the plus strand (A>G on the coding strand, the complement: DST is on the minus strand). VCF-style: chr6-56555534-T-C. GRCh37 (hg19) VCF-style: chr6-56420332-T-C.
Other names: c.8590A>G, p.Met2864Val (NM_001144769.5); c.8176A>G, p.Met2726Val (NM_001144770.2); c.14947A>G, p.Met4983Val (NM_001374722.1); c.14314A>G, p.Met4772Val (NM_001374729.1); c.8056A>G, p.Met2686Val (NM_001374730.1, NM_183380.4); c.14974A>G, p.Met4992Val (NM_001374734.1); c.7078A>G, p.Met2360Val (NM_015548.5); short protein forms M2686V, M2864V, M2360V, M2726V, M4992V, M4772V, M4983V.
Identifiers: ClinVar variation 971044 (VCV000971044.8), dbSNP rs188156383, ClinGen allele CA3867899.